The following is an entry in ClinVar:

NM_002439.5(MSH3):c.1781T>C (p.Leu594Pro)

Gene: MSH3 (mutS homolog 3; plus strand). Cytogenetic location: 5q14.1.
Variant type: single nucleotide variant.
Coding change: c.1781T>C on transcript NM_002439.5 (MANE Select); coding-DNA position 1781, T replaced by C.
Protein change: p.Leu594Pro; replaces leucine 594 with proline.
Molecular consequence: missense variant.
Genome position (GRCh38, 1-based): chr5:80,761,563, T>C. VCF-style: chr5-80761563-T-C. GRCh37 (hg19) VCF-style: chr5-80057382-T-C.
Other names: c.1781T>C (NM_002439.3); short protein forms L594P.
Identifiers: ClinVar variation 4718037 (VCV004718037.2).

ClinVar aggregate classification (germline): Uncertain significance. Review status: criteria provided, multiple submitters, no conflicts (2 of 4 stars). 2 submissions from 2 submitters: Uncertain significance (2). Last evaluated 2026-07-06.

Conditions:
Hereditary cancer-predisposing syndrome. Also called: Hereditary Cancer Syndrome; Hereditary neoplastic syndrome; Neoplastic Syndromes, Hereditary; Tumor predisposition. Identifiers: Orphanet 140162, MedGen C0027672, MeSH D009386, MONDO:0015356.

Submissions (2):

Ambry Genetics
Classification: Uncertain significance for Hereditary cancer-predisposing syndrome. Last evaluated: 2026-07-06. Review status: criteria provided, single submitter. Criteria: Ambry Variant Classification Scheme 2023. Collection method: clinical testing. Allele origin: germline.
Comment: The p.L594P variant (also known as c.1781T>C), located in coding exon 13 of the MSH3 gene, results from a T to C substitution at nucleotide position 1781. The leucine at codon 594 is replaced by proline, an amino acid with similar properties. This amino acid position is conserved. In addition, this alteration is predicted to be deleterious by in silico analysis. Based on the available evidence, the clinical significance of this variant remains unclear.

Labcorp Genetics (formerly Invitae), Labcorp
Classification: Uncertain significance. Last evaluated: 2025-04-21. Review status: criteria provided, single submitter. Criteria: Invitae Variant Classification Sherloc (09022015). Collection method: clinical testing. Allele origin: germline.
Comment: This sequence change replaces leucine, which is neutral and non-polar, with proline, which is neutral and non-polar, at codon 594 of the MSH3 protein (p.Leu594Pro). This variant is not present in population databases (gnomAD no frequency). This variant has not been reported in the literature in individuals affected with MSH3-related conditions. An algorithm developed to predict the effect of missense changes on protein structure and function (PolyPhen-2) suggests that this variant is likely to be disruptive. In summary, the available evidence is currently insufficient to determine the role of this variant in disease. Therefore, it has been classified as a Variant of Uncertain Significance.